The following is an entry in ClinVar:

NM_016333.4(SRRM2):c.3107G>C (p.Cys1036Ser)

Gene: SRRM2 (serine/arginine repetitive matrix 2; plus strand). Cytogenetic location: 16p13.3.
Variant type: single nucleotide variant.
Coding change: c.3107G>C on transcript NM_016333.4 (MANE Select); coding-DNA position 3107, G replaced by C.
Protein change: p.Cys1036Ser; replaces cysteine 1036 with serine.
Molecular consequence: missense variant.
Genome position (GRCh38, 1-based): chr16:2,763,635, G>C. VCF-style: chr16-2763635-G-C. GRCh37 (hg19) VCF-style: chr16-2813636-G-C.
Other names: NC_000016.9:g.2813636G>C; short protein forms C1036S.
Identifiers: ClinVar variation 710239 (VCV000710239.32), dbSNP rs72768765, ClinGen allele CA7847812.
Genomic context (GRCh38, chr16:2,763,635, plus strand): 5'-GTCCCCAAGAGAAGTCTAAAGACTCACTAGTTCAAAGTTGCCCTGGATCCCTCTCTCTCT[G>C]TGCAGGAGTAAAATCTAGCACACCACCAGGCGAGAGCTATTTTGGTGTCTCATCTCTGCA-3'
Protein context (NP_057417.3, residues 1026-1046): VQSCPGSLSL[Cys1036Ser]AGVKSSTPPG

ClinVar aggregate classification (germline): Likely benign. Review status: criteria provided, multiple submitters, no conflicts (2 of 4 stars). 5 submissions from 5 submitters: Likely benign (4). 1 of the submissions does not count toward it. Last evaluated 2026-09-01.

Conditions:
SRRM2-related disorder. Also called: SRRM2-related condition.

Allele frequency attached by ClinVar (database versions not stated): 1000 Genomes Project 0.00160; 1000 Genomes Project 30x 0.00172; gnomAD exomes 0.00266 and 0.00508; TOPMed 0.00270; gnomAD 0.00272 and 0.00273; ExAC 0.00281; ESP Exome Variant Server 0.00354.
gnomAD v4.1: 7,832 of 1,614,094 alleles (0.49%); highest among the groups gnomAD compares: Non-Finnish European, 0.6%; 35 homozygotes.

Submissions (9):

CeGaT Center for Human Genetics Tuebingen
Classification: Likely benign. Last evaluated: 2026-09-01. Review status: criteria provided, single submitter. Criteria: CeGaT Center For Human Genetics Tuebingen Variant Classification Criteria Version 2. Collection method: clinical testing. Allele origin: germline. Affected: yes. Observed: 6 variant alleles.
Comment: SRRM2: BS2

Blueprint Genetics
Classification: Likely benign. Last evaluated: 2024-11-20. Review status: criteria provided, single submitter. Criteria: ACMG Guidelines, 2015. Collection method: clinical testing. Allele origin: germline.

Labcorp Genetics (formerly Invitae), Labcorp
Classification: Likely benign. Last evaluated: 2019-12-31. Review status: criteria provided, single submitter. Criteria: Invitae Variant Classification Sherloc (09022015). Collection method: clinical testing. Allele origin: germline.

Breakthrough Genomics
Classification: Likely benign. Review status: criteria provided, single submitter. Criteria: ACMG Guidelines, 2015. Collection method: not provided. Allele origin: germline. Inheritance: Unknown mechanism. Affected: yes.

PreventionGenetics, part of Exact Sciences
Classification: Likely benign for SRRM2-related condition. Last evaluated: 2022-03-28. Review status: no assertion criteria provided. Collection method: clinical testing. Allele origin: germline. Not counted in ClinVar's aggregate classification.
Comment: This variant is classified as likely benign based on ACMG/AMP sequence variant interpretation guidelines (Richards et al. 2015 PMID: 25741868, with internal and published modifications).

Dr. Peter K. Rogan Lab, Western University
No classification provided (evidence only). Condition: Clear cell carcinoma of kidney. Review status: no classification provided. Collection method: in vitro. Allele origin: not applicable. Functional consequence: retained intron. Not counted in ClinVar's aggregate classification.

Dr. Peter K. Rogan Lab, Western University
No classification provided (evidence only). Condition: Lung cancer. Review status: no classification provided. Collection method: in vitro. Allele origin: not applicable. Functional consequence: retained intron. Not counted in ClinVar's aggregate classification.

Dr. Peter K. Rogan Lab, Western University
No classification provided (evidence only). Condition: Thyroid cancer, nonmedullary, 1. Review status: no classification provided. Collection method: in vitro. Allele origin: not applicable. Functional consequence: retained intron. Not counted in ClinVar's aggregate classification.

Dr. Peter K. Rogan Lab, Western University
No classification provided (evidence only). Condition: Thyroid cancer, nonmedullary, 1. Review status: no classification provided. Collection method: in vitro. Allele origin: not applicable. Functional consequence: retained intron. Not counted in ClinVar's aggregate classification.